The following is an entry in ClinVar:

NM_001271.4(CHD2):c.4008+5G>A

Gene: CHD2 (chromodomain helicase DNA binding protein 2; plus strand). Cytogenetic location: 15q26.1.
Variant type: single nucleotide variant.
Coding change: c.4008+5G>A on transcript NM_001271.4 (MANE Select); 5 bases into the intron after coding-DNA position 4008, G replaced by A.
Molecular consequence: intron variant.
Genome position (GRCh38, 1-based): chr15:92,998,626, G>A. VCF-style: chr15-92998626-G-A. GRCh37 (hg19) VCF-style: chr15-93541856-G-A.
Identifiers: ClinVar variation 1520765 (VCV001520765.6), dbSNP rs2141868973, ClinGen allele CA2573151331.
Genomic context (GRCh38, chr15:92,998,626, plus strand): 5'-TGAAGCTGCTCAGAAAGGGTCTGGAGAAGAAGGGGGCTGTGACAGGTGGGGAAGAGGTGA[G>A]TACGCTGCCAGCTGGTTGTTTTTCAGGGGCCTGAGGCTCCTACCCTGCAGAATTAGGTAG-3'

ClinVar aggregate classification (germline): Uncertain significance (1 of 4 stars; one submission).

Conditions:
Developmental and epileptic encephalopathy 94 (DEE94). Also called: Epileptic encephalopathy, childhood-onset; CHD2-Related Neurodevelopmental Disorders. Identifiers: Orphanet 1942, Orphanet 2382, MedGen C3809278, MONDO:0014150, OMIM 615369.

Submission:

Labcorp Genetics (formerly Invitae), Labcorp
Classification: Uncertain significance for Developmental and epileptic encephalopathy 94. Last evaluated: 2021-03-27. Review status: criteria provided, single submitter. Criteria: Invitae Variant Classification Sherloc (09022015). Collection method: clinical testing. Allele origin: germline.
Comment: In summary, the available evidence is currently insufficient to determine the role of this variant in disease. Therefore, it has been classified as a Variant of Uncertain Significance. Nucleotide substitutions within the consensus splice site are a relatively common cause of aberrant splicing (PMID: 17576681, 9536098). Algorithms developed to predict the effect of sequence changes on RNA splicing suggest that this variant may disrupt the consensus splice site, but this prediction has not been confirmed by published transcriptional studies. This variant has not been reported in the literature in individuals with CHD2-related conditions. This variant is not present in population databases (ExAC no frequency). This sequence change falls in intron 31 of the CHD2 gene. It does not directly change the encoded amino acid sequence of the CHD2 protein. It affects a nucleotide within the consensus splice site of the intron.

Literature cited by the submitters: PubMed 17576681; PubMed 9536098.